The following is an entry in ClinVar:

NM_001372044.2(SHANK3):c.2891C>G (p.Ala964Gly)

Gene: SHANK3 (SH3 and multiple ankyrin repeat domains 3; plus strand). Cytogenetic location: 22q13.33.
Variant type: single nucleotide variant.
Coding change: c.2891C>G on transcript NM_001372044.2 (MANE Select); coding-DNA position 2891, C replaced by G.
Protein change: p.Ala964Gly; replaces alanine 964 with glycine.
Molecular consequence: missense variant.
Genome position (GRCh38, 1-based): chr22:50,720,499, C>G. VCF-style: chr22-50720499-C-G. GRCh37 (hg19) VCF-style: chr22-51158927-C-G.
Other names: c.2666C>G, p.Ala889Gly (NM_033517.1); short protein forms A889G, A964G.
Identifiers: ClinVar variation 2580094 (VCV002580094.1), dbSNP rs2518425345, ClinGen allele CA515259445.

ClinVar aggregate classification (germline): Uncertain significance (1 of 4 stars; one submission).

Submission:

GeneDx
Classification: Uncertain significance. Last evaluated: 2023-03-17. Review status: criteria provided, single submitter. Criteria: GeneDx Variant Classification Process June 2021. Collection method: clinical testing. Allele origin: germline. Affected: yes.
Comment: Not observed at significant frequency in large population cohorts (gnomAD); In silico analysis supports that this missense variant does not alter protein structure/function; Has not been previously published as pathogenic or benign to our knowledge